The following is an entry in ClinVar:

ClinVar aggregate classification (germline): Uncertain significance (1 of 4 stars; one submission).

Conditions:
Perlman syndrome (PRLMNS). Identifiers: Orphanet 2849, MedGen C0796113, MONDO:0009965, OMIM 267000.

Allele frequency attached by ClinVar (database versions not stated): ExAC 0.00001; gnomAD exomes 0.00001; TOPMed 0.00001.
gnomAD v4.1: 3 of 1,613,820 alleles (0.00019%); highest among the groups gnomAD compares: Admixed American, 0.005%; no homozygotes.

Submission:

Labcorp Genetics (formerly Invitae), Labcorp
Classification: Uncertain significance for Perlman syndrome. Last evaluated: 2024-07-31. Review status: criteria provided, single submitter. Criteria: Invitae Variant Classification Sherloc (09022015). Collection method: clinical testing. Allele origin: germline.
Comment: This sequence change replaces aspartic acid, which is acidic and polar, with tyrosine, which is neutral and polar, at codon 140 of the DIS3L2 protein (p.Asp140Tyr). This variant is present in population databases (rs751372232, gnomAD 0.009%). This variant has not been reported in the literature in individuals affected with DIS3L2-related conditions. ClinVar contains an entry for this variant (Variation ID: 664867). An algorithm developed to predict the effect of missense changes on protein structure and function (PolyPhen-2) suggests that this variant is likely to be tolerated. In summary, the available evidence is currently insufficient to determine the role of this variant in disease. Therefore, it has been classified as a Variant of Uncertain Significance.

NM_152383.5(DIS3L2):c.418G>T (p.Asp140Tyr)

Gene: DIS3L2 (DIS3 like 3'-5' exoribonuclease 2; plus strand). Cytogenetic location: 2q37.1.
Variant type: single nucleotide variant.
Coding change: c.418G>T on transcript NM_152383.5 (MANE Select); coding-DNA position 418, G replaced by T.
Protein change: p.Asp140Tyr; replaces aspartic acid 140 with tyrosine.
Molecular consequence: missense variant. On other transcripts: non-coding transcript variant (2).
Genome position (GRCh38, 1-based): chr2:232,087,538, G>T. VCF-style: chr2-232087538-G-T. GRCh37 (hg19) VCF-style: chr2-232952248-G-T.
Other names: c.418G>T, p.Asp140Tyr (NM_001257281.2, NM_001257282.2); short protein forms D140Y.
Identifiers: ClinVar variation 664867 (VCV000664867.8), dbSNP rs751372232, ClinGen allele CA2163824.